The following is an entry in ClinVar:

ClinVar aggregate classification (germline): Pathogenic. Review status: reviewed by expert panel (3 of 4 stars). 3 submissions from 3 submitters: Pathogenic (1). 2 of the submissions do not count toward it. Last evaluated 2025-09-07.

Conditions:
RPGR-related disorder. Also called: RPGR-related condition.
RPGR-related retinopathy. Also called: RPGR retinopathy. Identifiers: MedGen CN305589, MONDO:0100437.
Primary ciliary dyskinesia. Also called: Ciliary dyskinesia. Identifiers: Orphanet 244, MedGen C0008780, MONDO:0016575, HP:0012265.

Submissions (3):

ClinGen X-linked Inherited Retinal Disease Variant Curation Expert Panel, ClinGen
Classification: Pathogenic for RPGR-related retinopathy. Last evaluated: 2025-09-07. Review status: reviewed by expert panel. Criteria: ClinGen X LinkedIRD ACMG Specifications RPGR V1.0.0. Collection method: curation. Allele origin: germline. Inheritance: X-linked inheritance.
Comment: NM_001034853.2(RPGR):c.3317del (p.Lys1106SerfsTer25) is a frameshift variant due to 1-nucleotide deletion resulting in a premature stop codon after 25 amino acids in exon 15 of 15, which is predicted to disrupt a critical C-terminal region required for proper glutamylation of RPGR (PVS1, PMID: 36445968). This variant is absent from gnomAD v4.1.0 (PM2_Supporting). The variant has been reported to segregate with retinal dystrophy through at least 2 affected meioses from 1 family (PP1; PMID: 34745198). In summary, this variant is classified as pathogenic for RPGR-related retinopathy based on the ClinGen X-linked Inherited Retinal Disease Expert Panel Specifications to the ACMG/AMP Variant Interpretation Guidelines for RPGR Version 1.0.0; PVS1, PM2_Supporting, and PP1.

Labcorp Genetics (formerly Invitae), Labcorp
Classification: Pathogenic for Primary ciliary dyskinesia. Last evaluated: 2024-01-18. Review status: criteria provided, single submitter. Criteria: Invitae Variant Classification Sherloc (09022015). Collection method: clinical testing. Allele origin: germline. Not counted in ClinVar's aggregate classification.
Comment: This sequence change creates a premature translational stop signal (p.Lys1106Serfs*25) in the RPGR (ORF15) gene. While this is not anticipated to result in nonsense mediated decay, it is expected to disrupt the last 47 amino acid(s) of the RPGR (ORF15) protein. This variant is not present in population databases (gnomAD no frequency). This variant has not been reported in the literature in individuals affected with RPGR (ORF15)-related conditions. ClinVar contains an entry for this variant (Variation ID: 2099207). This variant disrupts a region of the RPGR (ORF15) protein in which other variant(s) (p.Leu1130Lysfs*13) have been determined to be pathogenic (PMID: 22264887; Invitae). This suggests that this is a clinically significant region of the protein, and that variants that disrupt it are likely to be disease-causing. For these reasons, this variant has been classified as Pathogenic.

Blueprint Genetics
Classification: Likely pathogenic for RPGR-related disorders. Last evaluated: 2022-08-29. Review status: criteria provided, single submitter. Criteria: ACMG Guidelines, 2015. Collection method: clinical testing. Allele origin: germline. Affected: yes. Observed: 1 variant allele. Not counted in ClinVar's aggregate classification.

Literature cited by the submitters: PubMed 22264887 (cited by Labcorp Genetics (formerly Invitae), Labcorp).

NM_001034853.2(RPGR):c.3317del (p.Lys1106fs)

Gene: RPGR (retinitis pigmentosa GTPase regulator; minus strand). Cytogenetic location: Xp11.4.
Variant type: Deletion.
Coding change: c.3317del on transcript NM_001034853.2 (MANE Select); coding-DNA position 3317, one base deleted (A; older notation c.3317delA).
Protein change: p.Lys1106fs; shifts the reading frame from lysine 1106.
Molecular consequence: frameshift variant. On other transcripts: intron variant (8).
Genome position (GRCh38, 1-based): chrX:38,285,682, T deleted on the plus strand (A on the coding strand, the reverse complement: RPGR is on the minus strand); the first of 7 consecutive T bases (chrX:38,285,682-38,285,688); deleting any one gives the same sequence. VCF-style (leftmost placement, unchanged base first): chrX-38285681-CT-C. GRCh37 (hg19) VCF-style: chrX-38144934-CT-C.
Other names: NM_001034853.2(RPGR):c.3317del; p.Lys1106fs; c.1569+5277del (NM_001367249.1, NM_001367250.1); c.1902+1412del (NM_001367245.1); c.1386+5277del (NM_001367251.1); c.1719+1412del (NM_001367246.1); c.1572+5277del (NM_001367247.1); c.1905+1412del (NM_000328.3); and 1 more; short protein forms K1106fs.
Identifiers: ClinVar variation 2099207 (VCV002099207.6), dbSNP rs886041376, ClinGen allele CA645616656.
Genomic context (GRCh38, chrX:38,285,681, plus strand): 5'-TGACTGGACTGGCATTTTGGACCTCTGCTCTTTCCCATTTCCCTGTGTGTTAGTAACTGA[CT>C]TTTTTTGATATGTTTTATGTTTGCCATATTTCACAGATCCTTTTATTTTGCTCACTTTTT-3'